The following is an entry in ClinVar:

ClinVar aggregate classification (germline): Uncertain significance (1 of 4 stars; one submission).

Conditions:
Hereditary cancer-predisposing syndrome. Also called: Hereditary neoplastic syndrome; Hereditary Cancer Syndrome; Neoplastic Syndromes, Hereditary; Tumor predisposition. Identifiers: Orphanet 140162, MedGen C0027672, MeSH D009386, MONDO:0015356.

Submission:

Color Diagnostics, LLC DBA Color Health
Classification: Uncertain significance for Hereditary cancer-predisposing syndrome. Last evaluated: 2022-10-10. Review status: criteria provided, single submitter. Criteria: ACMG Guidelines, 2015. Collection method: clinical testing. Allele origin: germline.
Comment: This missense variant replaces proline with glutamine at codon 552 of the ATM protein. Computational prediction is inconclusive regarding the impact of this variant on protein structure and function (internally defined REVEL score threshold 0.5 < inconclusive < 0.7, PMID: 27666373). To our knowledge, functional studies have not been reported for this variant. This variant has not been reported in individuals affected with hereditary cancer in the literature. This variant has not been identified in the general population by the Genome Aggregation Database (gnomAD). The available evidence is insufficient to determine the role of this variant in disease conclusively. Therefore, this variant is classified as a Variant of Uncertain Significance.

NM_000051.4(ATM):c.1655C>A (p.Pro552Gln)

Gene: ATM (ATM serine/threonine kinase; plus strand). Cytogenetic location: 11q22.3.
Variant type: single nucleotide variant.
Coding change: c.1655C>A on transcript NM_000051.4 (MANE Select); coding-DNA position 1655, C replaced by A.
Protein change: p.Pro552Gln; replaces proline 552 with glutamine.
Molecular consequence: missense variant.
Genome position (GRCh38, 1-based): chr11:108,251,884, C>A. VCF-style: chr11-108251884-C-A. GRCh37 (hg19) VCF-style: chr11-108122611-C-A.
Other names: c.1655C>A, p.Pro552Gln (NM_001351834.2); short protein forms P552Q.
Identifiers: ClinVar variation 2774143 (VCV002774143.2), dbSNP rs2135340121, ClinGen allele CA382535054.